The following is an entry in ClinVar:

ClinVar aggregate classification (germline): Uncertain significance (1 of 4 stars; one submission).

Conditions:
Hereditary cancer-predisposing syndrome. Also called: Neoplastic Syndromes, Hereditary; Hereditary Cancer Syndrome; Tumor predisposition; Hereditary neoplastic syndrome. Identifiers: Orphanet 140162, MedGen C0027672, MeSH D009386, MONDO:0015356.

Submission:

Ambry Genetics
Classification: Uncertain significance for Hereditary cancer-predisposing syndrome. Last evaluated: 2025-03-08. Review status: criteria provided, single submitter. Criteria: Ambry Variant Classification Scheme 2023. Collection method: clinical testing. Allele origin: germline.
Comment: The p.T1810P variant (also known as c.5428A>C), located in coding exon 35 of the ATM gene, results from an A to C substitution at nucleotide position 5428. The threonine at codon 1810 is replaced by proline, an amino acid with highly similar properties. This amino acid position is conserved. In addition, this alteration is predicted to be deleterious by in silico analysis. Based on the available evidence, the clinical significance of this variant remains unclear.

NM_000051.4(ATM):c.5428A>C (p.Thr1810Pro)

Gene: ATM (ATM serine/threonine kinase; plus strand). Cytogenetic location: 11q22.3.
Variant type: single nucleotide variant.
Coding change: c.5428A>C on transcript NM_000051.4 (MANE Select); coding-DNA position 5428, A replaced by C.
Protein change: p.Thr1810Pro; replaces threonine 1810 with proline.
Molecular consequence: missense variant.
Genome position (GRCh38, 1-based): chr11:108,302,961, A>C. VCF-style: chr11-108302961-A-C. GRCh37 (hg19) VCF-style: chr11-108173688-A-C.
Other names: c.5428A>C, p.Thr1810Pro (NM_001351834.2); short protein forms T1810P.
Identifiers: ClinVar variation 3803172 (VCV003803172.1).